The following is an entry in ClinVar:

NM_001009944.3(PKD1):c.6197_6209del (p.Leu2066fs)

Gene: PKD1 (polycystin 1, transient receptor potential channel interacting; minus strand). Cytogenetic location: 16p13.3.
Variant type: Deletion.
Coding change: c.6197_6209del on transcript NM_001009944.3 (MANE Select); coding-DNA positions 6197 to 6209, 13 bases deleted (TGCAGAGCGGCCC).
Protein change: p.Leu2066fs; shifts the reading frame from leucine 2066.
Molecular consequence: frameshift variant.
Genome position (GRCh38, 1-based): chr16:2,108,958-2,108,970, GGGCCGCTCTGCA deleted on the plus strand (TGCAGAGCGGCCC on the coding strand, the reverse complement: PKD1 is on the minus strand); deleting any 13 consecutive bases within chr16:2,108,958-2,108,975 gives the same sequence; the c. name uses the placement nearest the transcript's 3' end. VCF-style (leftmost placement, unchanged base first): chr16-2108957-GGGGCCGCTCTGCA-G. GRCh37 (hg19) VCF-style: chr16-2158958-GGGGCCGCTCTGCA-G.
Other names: c.6197_6209del, p.Leu2066fs (NM_000296.4); short protein forms L2066fs.
Identifiers: ClinVar variation 997105 (VCV000997105.1), dbSNP rs2092431000, ClinGen allele CA2202045942.
Genomic context (GRCh38, chr16:2,108,957, plus strand): 5'-CACACGCCGGGGGCTGGGGCTGGTGGCGGCCTCAAACTGCGCCGAGCGGTTGGTGAAGCA[GGGGCCGCTCTGCA>G]GGGCCACATACTGGACGGCGTCCTGAACCTCCAGCACCAGCGTGCGGTTCTCACTGCCCA-3'

ClinVar aggregate classification (germline): Pathogenic (0 of 4 stars; one submission).

Conditions:
Polycystic kidney disease. Also called: Polycystic kidney dysplasia; Kidney, Polycystic. Identifiers: MedGen C0022680, MeSH D007690, MONDO:0020642, HP:0000113.

Submission:

Department of Pathology and Laboratory Medicine, Sinai Health System
Classification: Pathogenic for Polycystic Kidney disease. Review status: no assertion criteria provided. Collection method: clinical testing. Allele origin: unknown. Affected: yes. Observed: 1 variant allele. Study: The Canadian Open Genetics Repository (COGR).
Comment: The PKD1 p.Leu2066ProfsX46 variant was not identified in the literature nor was it identified in the dbSBP, ClinVar, Genesight-COGR, LOVD 3.0, ADPKD Mutation Database, PKD1-LOVD, databases. The variant was not identified in the 1000 Genomes Project, the NHLBI GO Exome Sequencing Project or the Exome Aggregation Consortium (August 8th 2016) control databases. The c.6197_6209del variant is predicted to cause a frameshift, which alters the protein amino acid sequence beginning at codon 2066 and leads to a premature stop codon at position 2111. This alteration is then predicted to result in a truncated or absent protein and loss of function. Loss of function variants of the PKD1 gene are an established mechanism of disease in PKD and is the type of variant expected to cause the disorder. In summary, based on the above information this variant meets our laboratoryâ€šÃ„Ã´s criteria to be classified as pathogenic.